The following is an entry in ClinVar:

ClinVar aggregate classification (germline): Pathogenic. Review status: criteria provided, multiple submitters, no conflicts (2 of 4 stars). 2 submissions from 2 submitters: Pathogenic (2). Last evaluated 2021-06-03.

Conditions:
Cardiomyopathy (CMYO). Also called: Cardiomyopathies. Identifiers: Orphanet 167848, MedGen C0878544, MONDO:0004994, HP:0001638. Inheritance: Various modes of inheritance.
Hypertrophic cardiomyopathy. Also called: HYPERTROPHIC MYOCARDIOPATHY. Identifiers: Orphanet 217569, MedGen C0007194, MeSH D002312, MONDO:0005045, HP:0001639.

Allele frequency attached by ClinVar (database versions not stated): gnomAD exomes below 0.00001.
gnomAD v4.1: 2 of 1,564,690 alleles (0.00013%); highest among the groups gnomAD compares: South Asian, 0.0012%; no homozygotes.

Submissions (2):

CHEO Genetics Diagnostic Laboratory, Children's Hospital of Eastern Ontario
Classification: Pathogenic for Cardiomyopathy. Last evaluated: 2021-06-03. Review status: criteria provided, single submitter. Criteria: ACMG Guidelines, 2015. Collection method: clinical testing. Allele origin: germline.

Laboratory for Molecular Medicine, Mass General Brigham Personalized Medicine
Classification: Pathogenic for Hypertrophic cardiomyopathy. Last evaluated: 2021-01-26. Review status: criteria provided, single submitter. Criteria: ACMG Guidelines, 2015. Collection method: clinical testing. Allele origin: germline.
Comment: The c.821+2T>C variant in MYBPC3 has been reported in at least 8 individuals with hypertrophic cardiomyopathy (HCM; Nunez 2013 PMID: 23782526, Walsh 2017 PMID: 27532257, LMM data) and was absent from large population studies. This variant occurs within the canonical splice site (+/- 1,2) and is predicted to cause altered splicing leading to an abnormal or absent protein. Loss of function of the MYBPC3 gene is an established disease mechanism in autosomal dominant HCM. In summary, this variant meets criteria to be classified as pathogenic for autosomal dominant HCM. ACMG/AMP Criteria applied: PVS1, PM2_Supporting, PS4_Moderate.

Literature cited by the submitters: PubMed 27532257 (cited by Laboratory for Molecular Medicine, Mass General Brigham Personalized Medicine); PubMed 23782526 (cited by Laboratory for Molecular Medicine, Mass General Brigham Personalized Medicine).

NM_000256.3(MYBPC3):c.821+2T>C

Gene: MYBPC3 (myosin binding protein C3; minus strand). Cytogenetic location: 11p11.2.
Variant type: single nucleotide variant.
Coding change: c.821+2T>C on transcript NM_000256.3 (MANE Select); the canonical splice donor site of the intron after coding-DNA position 821, T replaced by C.
Molecular consequence: splice donor variant.
Genome position (GRCh38, 1-based): chr11:47,347,855, A>G on the plus strand (T>C on the coding strand, the complement: MYBPC3 is on the minus strand). VCF-style: chr11-47347855-A-G. GRCh37 (hg19) VCF-style: chr11-47369406-A-G.
Identifiers: ClinVar variation 42795 (VCV000042795.9), dbSNP rs397516076, ClinGen allele CA015895.